The following is an entry in ClinVar:

ClinVar aggregate classification (germline): Uncertain significance (1 of 4 stars; one submission).

Conditions:
Loeys-Dietz syndrome 2 (LDS2). Also called: TGFBR2-Related Loeys-Dietz Syndrome; AORTIC ANEURYSM, FAMILIAL THORACIC 3; MARFAN SYNDROME, TYPE II; Marfan syndrome, type 2 (formerly); Marfan Syndrome type 2; Marfan like connective tissue disorder. Identifiers: Orphanet 284973, Orphanet 558, MedGen C2674574, MONDO:0012427, OMIM 610168.

Allele frequency attached by ClinVar (database versions not stated): gnomAD 0.00001; gnomAD exomes 0.00001; TOPMed 0.00001.
gnomAD v4.1: 27 of 1,614,038 alleles (0.0017%); highest among the groups gnomAD compares: Non-Finnish European, 0.0021%; no homozygotes.

Submission:

Labcorp Genetics (formerly Invitae), Labcorp
Classification: Uncertain significance for Loeys-Dietz syndrome 2. Last evaluated: 2021-08-30. Review status: criteria provided, single submitter. Criteria: Invitae Variant Classification Sherloc (09022015). Collection method: clinical testing. Allele origin: germline.
Comment: This sequence change replaces leucine with serine at codon 288 of the TMPO protein (p.Leu288Ser). The leucine residue is weakly conserved and there is a large physicochemical difference between leucine and serine. This variant is not present in population databases (ExAC no frequency). This variant has not been reported in the literature in individuals affected with TMPO-related conditions. ClinVar contains an entry for this variant (Variation ID: 310765). Algorithms developed to predict the effect of missense changes on protein structure and function (SIFT, PolyPhen-2, Align-GVGD) all suggest that this variant is likely to be tolerated. In summary, the available evidence is currently insufficient to determine the role of this variant in disease. Therefore, it has been classified as a Variant of Uncertain Significance.

NM_001032283.3(TMPO):c.565+1282T>C

Gene: TMPO (thymopoietin; plus strand). Cytogenetic location: 12q23.1.
Variant type: single nucleotide variant.
Coding change: c.565+1282T>C on transcript NM_001032283.3 (MANE Select); 1282 bases into the intron after coding-DNA position 565, T replaced by C.
Molecular consequence: intron variant. On other transcripts: missense variant (1).
Genome position (GRCh38, 1-based): chr12:98,533,120, T>C. VCF-style: chr12-98533120-T-C. GRCh37 (hg19) VCF-style: chr12-98926898-T-C.
Other names: c.863T>C, p.Leu288Ser (NM_003276.2); c.565+1282T>C (NM_001307975.2, NM_001032284.3); short protein forms L288S.
Identifiers: ClinVar variation 310765 (VCV000310765.6), dbSNP rs886049912, ClinGen allele CA10643591.